The following is an entry in ClinVar:

ClinVar aggregate classification (germline): Conflicting classifications of pathogenicity. Review status: criteria provided, conflicting classifications (1 of 4 stars). 2 submissions from 2 submitters: Uncertain significance (1); Likely benign (1). Last evaluated 2024-10-03.

Conditions:
Inborn genetic diseases. Identifiers: MedGen C0950123, MeSH D030342.

Allele frequency attached by ClinVar (database versions not stated): gnomAD exomes 0.00001; gnomAD 0.00002; TOPMed 0.00002; ExAC 0.00008; ESP Exome Variant Server 0.00008.

Submissions (3):

Ambry Genetics
Classification: Likely benign for Inborn genetic diseases. Last evaluated: 2024-10-03. Review status: criteria provided, single submitter. Criteria: Ambry Variant Classification Scheme 2023. Collection method: clinical testing. Allele origin: germline.

Labcorp Genetics (formerly Invitae), Labcorp
Classification: Uncertain significance. Last evaluated: 2023-02-20. Review status: criteria provided, single submitter. Criteria: Invitae Variant Classification Sherloc (09022015). Collection method: clinical testing. Allele origin: germline.
Comment: This variant is present in population databases (rs376940505, gnomAD 0.008%). This sequence change replaces lysine, which is basic and polar, with arginine, which is basic and polar, at codon 1499 of the KMT2B protein (p.Lys1499Arg). This variant has not been reported in the literature in individuals affected with KMT2B-related conditions. Experimental studies and prediction algorithms are not available or were not evaluated, and the functional significance of this variant is currently unknown. In summary, the available evidence is currently insufficient to determine the role of this variant in disease. Therefore, it has been classified as a Variant of Uncertain Significance.

Dr. Peter K. Rogan Lab, Western University
No classification provided (evidence only). Condition: Sarcoma. Review status: no classification provided. Collection method: in vitro. Allele origin: not applicable. Functional consequence: retained intron. Not counted in ClinVar's aggregate classification.

NM_014727.3(KMT2B):c.4496A>G (p.Lys1499Arg)

Gene: KMT2B (lysine methyltransferase 2B; plus strand). Cytogenetic location: 19q13.12.
Variant type: single nucleotide variant.
Coding change: c.4496A>G on transcript NM_014727.3 (MANE Select); coding-DNA position 4496, A replaced by G.
Protein change: p.Lys1499Arg; replaces lysine 1499 with arginine.
Molecular consequence: missense variant.
Genome position (GRCh38, 1-based): chr19:35,727,984, A>G. VCF-style: chr19-35727984-A-G. GRCh37 (hg19) VCF-style: chr19-36218885-A-G.
Other names: c.4496A>G (NM_014727.1); short protein forms K1499R.
Identifiers: ClinVar variation 2983745 (VCV002983745.5), dbSNP rs376940505, ClinGen allele CA9385106.